The following is an entry in ClinVar:

ClinVar aggregate classification (germline): Pathogenic (1 of 4 stars; one submission).

Conditions:
Heterotaxy, visceral, 1, X-linked (HTX1). Also called: SITUS INVERSUS, COMPLEX CARDIAC DEFECTS, AND SPLENIC DEFECTS, X-LINKED; DEXTROCARDIA WITH OTHER CARDIAC MALFORMATIONS; Laterality, X-linked; Visceral heterotaxia. Identifiers: Orphanet 450, MedGen C1844020, MONDO:0010607, OMIM 306955.

Submission:

Labcorp Genetics (formerly Invitae), Labcorp
Classification: Pathogenic for Heterotaxy, visceral, 1, X-linked. Last evaluated: 2022-03-27. Review status: criteria provided, single submitter. Criteria: Invitae Variant Classification Sherloc (09022015). Collection method: clinical testing. Allele origin: germline.
Comment: For these reasons, this variant has been classified as Pathogenic. This variant has not been reported in the literature in individuals affected with ZIC3-related conditions. This variant is not present in population databases (gnomAD no frequency). This sequence change creates a premature translational stop signal (p.Lys326*) in the ZIC3 gene. It is expected to result in an absent or disrupted protein product. Loss-of-function variants in ZIC3 are known to be pathogenic (PMID: 24123890).

Literature cited by the submitters: PubMed 24123890.

NM_003413.4(ZIC3):c.976A>T (p.Lys326Ter)

Gene: ZIC3 (Zic family zinc finger 3; plus strand). Cytogenetic location: Xq26.3.
Variant type: single nucleotide variant.
Coding change: c.976A>T on transcript NM_003413.4 (MANE Select); coding-DNA position 976, A replaced by T.
Protein change: p.Lys326Ter; replaces lysine 326 with a stop codon.
Molecular consequence: nonsense.
Genome position (GRCh38, 1-based): chrX:137,567,667, A>T. VCF-style: chrX-137567667-A-T. GRCh37 (hg19) VCF-style: chrX-136649826-A-T.
Other names: c.976A>T, p.Lys326Ter (NM_001330661.1); short protein forms K326*.
Identifiers: ClinVar variation 2118034 (VCV002118034.4), dbSNP rs2521150898, ClinGen allele CA414771132.